The following is an entry in ClinVar:

NM_004104.5(FASN):c.1915G>A (p.Val639Met)

Gene: FASN (fatty acid synthase; minus strand). Cytogenetic location: 17q25.3.
Variant type: single nucleotide variant.
Coding change: c.1915G>A on transcript NM_004104.5 (MANE Select); coding-DNA position 1915, G replaced by A.
Protein change: p.Val639Met; replaces valine 639 with methionine.
Molecular consequence: missense variant.
Genome position (GRCh38, 1-based): chr17:82,089,682, C>T on the plus strand (G>A on the coding strand, the complement: FASN is on the minus strand). VCF-style: chr17-82089682-C-T. GRCh37 (hg19) VCF-style: chr17-80047558-C-T.
Other names: c.1915G>A (NM_004104.4); short protein forms V639M.
Identifiers: ClinVar variation 1393601 (VCV001393601.7), dbSNP rs745711103, ClinGen allele CA8852975.

ClinVar aggregate classification (germline): Uncertain significance. Review status: criteria provided, multiple submitters, no conflicts (2 of 4 stars). 2 submissions from 2 submitters: Uncertain significance (2). Last evaluated 2025-04-30.

Conditions:
Epileptic encephalopathy. Identifiers: MedGen C0543888, HP:0200134.

Allele frequency attached by ClinVar (database versions not stated): gnomAD exomes 0.00001; ExAC 0.00002; gnomAD 0.00007; TOPMed 0.00008.
gnomAD v4.1: 17 of 1,590,114 alleles (0.0011%); highest among the groups gnomAD compares: African/African-American, 0.021%; no homozygotes.

Submissions (2):

Ambry Genetics
Classification: Uncertain significance. Last evaluated: 2025-04-30. Review status: criteria provided, single submitter. Criteria: Ambry Variant Classification Scheme 2023. Collection method: clinical testing. Allele origin: germline.

Labcorp Genetics (formerly Invitae), Labcorp
Classification: Uncertain significance for Epileptic encephalopathy. Last evaluated: 2025-01-08. Review status: criteria provided, single submitter. Criteria: Invitae Variant Classification Sherloc (09022015). Collection method: clinical testing. Allele origin: germline.
Comment: This sequence change replaces valine, which is neutral and non-polar, with methionine, which is neutral and non-polar, at codon 639 of the FASN protein (p.Val639Met). This variant is present in population databases (rs745711103, gnomAD 0.04%). This variant has not been reported in the literature in individuals affected with FASN-related conditions. ClinVar contains an entry for this variant (Variation ID: 1393601). An algorithm developed to predict the effect of missense changes on protein structure and function (PolyPhen-2) suggests that this variant is likely to be disruptive. In summary, the available evidence is currently insufficient to determine the role of this variant in disease. Therefore, it has been classified as a Variant of Uncertain Significance.